The following is an entry in ClinVar:

ClinVar aggregate classification (germline): Uncertain significance (0 of 4 stars; one submission).

Conditions:
STXBP5-related disorder. Also called: STXBP5-related condition.

gnomAD v4.1: 68 of 1,613,824 alleles (0.0042%); highest among the groups gnomAD compares: Non-Finnish European, 0.0053%; no homozygotes.

Submission:

PreventionGenetics, part of Exact Sciences
Classification: Uncertain significance for STXBP5-related condition. Last evaluated: 2023-12-20. Review status: no assertion criteria provided. Collection method: clinical testing. Allele origin: germline.
Comment: The STXBP5 c.1480A>G variant is predicted to result in the amino acid substitution p.Thr494Ala. To our knowledge, this variant has not been reported in the literature. This variant is reported in 0.0039% of alleles in individuals of European (Non-Finnish) descent in gnomAD. At this time, the clinical significance of this variant is uncertain due to the absence of conclusive functional and genetic evidence.

NM_001127715.4(STXBP5):c.1480A>G (p.Thr494Ala)

Gene: STXBP5 (syntaxin binding protein 5; plus strand). Cytogenetic location: 6q24.3.
Variant type: single nucleotide variant.
Coding change: c.1480A>G on transcript NM_001127715.4 (MANE Select); coding-DNA position 1480, A replaced by G.
Protein change: p.Thr494Ala; replaces threonine 494 with alanine.
Molecular consequence: missense variant.
Genome position (GRCh38, 1-based): chr6:147,315,592, A>G. VCF-style: chr6-147315592-A-G. GRCh37 (hg19) VCF-style: chr6-147636728-A-G.
Other names: c.1480A>G, p.Thr494Ala (NM_001394409.1, NM_139244.6); short protein forms T494A.
Identifiers: ClinVar variation 3029329 (VCV003029329.2), dbSNP rs761855511, ClinGen allele CA365973883.